The following is an entry in ClinVar:

ClinVar aggregate classification (germline): Uncertain significance. Review status: criteria provided, multiple submitters, no conflicts (2 of 4 stars). 2 submissions from 2 submitters: Uncertain significance (2). Last evaluated 2024-01-29.

Conditions:
Argininosuccinate lyase deficiency. Also called: ARGININOSUCCINIC ACID LYASE DEFICIENCY; ASL DEFICIENCY; Argininosuccinic aciduria. Identifiers: Orphanet 23, MedGen C0268547, MONDO:0008815, OMIM 207900, HP:0025630.

Allele frequency attached by ClinVar (database versions not stated): TOPMed below 0.00001; gnomAD 0.00001; gnomAD exomes 0.00001.
gnomAD v4.1: 11 of 1,606,836 alleles (0.00068%); highest among the groups gnomAD compares: Non-Finnish European, 0.00093%; no homozygotes.

Submissions (2):

Mayo Clinic Laboratories, Mayo Clinic
Classification: Uncertain significance. Last evaluated: 2024-01-29. Review status: criteria provided, single submitter. Criteria: ACMG Guidelines, 2015. Collection method: clinical testing. Allele origin: germline. Observed: 1 variant allele.
Comment: PP4, PM2, PM3_supporting

Labcorp Genetics (formerly Invitae), Labcorp
Classification: Uncertain significance for Argininosuccinate lyase deficiency. Last evaluated: 2023-06-15. Review status: criteria provided, single submitter. Criteria: Invitae Variant Classification Sherloc (09022015). Collection method: clinical testing. Allele origin: germline.
Comment: This sequence change falls in intron 9 of the ASL gene. It does not directly change the encoded amino acid sequence of the ASL protein. It affects a nucleotide within the consensus splice site. This variant is not present in population databases (gnomAD no frequency). This variant has not been reported in the literature in individuals affected with ASL-related conditions. Variants that disrupt the consensus splice site are a relatively common cause of aberrant splicing (PMID: 17576681, 9536098). Algorithms developed to predict the effect of sequence changes on RNA splicing suggest that this variant may disrupt the consensus splice site. In summary, the available evidence is currently insufficient to determine the role of this variant in disease. Therefore, it has been classified as a Variant of Uncertain Significance.

Literature cited by the submitters: PubMed 17576681 (cited by Labcorp Genetics (formerly Invitae), Labcorp); PubMed 9536098 (cited by Labcorp Genetics (formerly Invitae), Labcorp).

NM_000048.4(ASL):c.655+5G>A

Gene: ASL (argininosuccinate lyase; plus strand). Cytogenetic location: 7q11.21.
Variant type: single nucleotide variant.
Coding change: c.655+5G>A on transcript NM_000048.4 (MANE Select); 5 bases into the intron after coding-DNA position 655, G replaced by A.
Molecular consequence: intron variant.
Genome position (GRCh38, 1-based): chr7:66,087,391, G>A. VCF-style: chr7-66087391-G-A. GRCh37 (hg19) VCF-style: chr7-65552378-G-A.
Other names: c.655+5G>A (NM_001024943.2, NM_001024944.2); c.577+5G>A (NM_001024946.2).
Identifiers: ClinVar variation 2798687 (VCV002798687.4), dbSNP rs1472293272, ClinGen allele CA841269658.